The following is an entry in ClinVar:

NM_002291.3(LAMB1):c.3392-2214_3392-2213del

Gene: LAMB1 (laminin subunit beta 1; minus strand). Cytogenetic location: 7q31.1.
Variant type: Deletion.
Coding change: c.3392-2214_3392-2213del on transcript NM_002291.3 (MANE Select); 2214 bases into the intron before coding-DNA position 3392 through 2213 bases into the intron before coding-DNA position 3392, 2 bases deleted (AT; older notation c.3392-2214_3392-2213delAT).
Molecular consequence: intron variant.
Genome position (GRCh38, 1-based): chr7:107,942,571-107,942,572, AT deleted on the plus strand (AT on the coding strand, the reverse complement: LAMB1 is on the minus strand). VCF-style (leftmost placement, unchanged base first): chr7-107942570-CAT-C. GRCh37 (hg19) VCF-style: chr7-107583015-CAT-C.
Identifiers: ClinVar variation 2657936 (VCV002657936.24), dbSNP rs567552797, ClinGen allele CA164235380.
Genomic context (GRCh38, chr7:107,942,570, plus strand): 5'-CAGCATTATGGTTAAGAGCATGAACTGCGGACTGAGGTGGTAAATCCTGCCTTCTCCACA[CAT>C]GTTATGTGACCCTGGGTAATCAGGAAACTGAGTCACGTCTTCCACATCTGTAAGAAGAGG-3'

ClinVar aggregate classification (germline): Likely benign (1 of 4 stars; one submission).

Allele frequency attached by ClinVar (database versions not stated): gnomAD 0.00240; TOPMed 0.00243.

Submission:

CeGaT Center for Human Genetics Tuebingen
Classification: Likely benign. Last evaluated: 2026-01-01. Review status: criteria provided, single submitter. Criteria: CeGaT Center For Human Genetics Tuebingen Variant Classification Criteria Version 2. Collection method: clinical testing. Allele origin: germline. Affected: yes. Observed: 5 variant alleles.
Comment: LAMB1: BS1